The following is an entry in ClinVar:

ClinVar aggregate classification (germline): Uncertain significance (1 of 4 stars; one submission).

Conditions:
Intellectual developmental disorder, autosomal recessive 75, with neuropsychiatric features and variant lissencephaly (MRT75). Identifiers: MedGen C5676961, MONDO:0030785, OMIM 619827.

Allele frequency attached by ClinVar (database versions not stated): gnomAD exomes below 0.00001; TOPMed below 0.00001.
gnomAD v4.1: 1 of 1,584,564 alleles (0.000063%); highest among the groups gnomAD compares: Admixed American, 0.0018%; no homozygotes.

Submission:

Clinical Genomics Laboratory, Washington University in St. Louis
Classification: Uncertain significance for Intellectual developmental disorder, autosomal recessive 75, with neuropsychiatric features and variant lissencephaly. Last evaluated: 2023-11-21. Review status: criteria provided, single submitter. Criteria: ACMG Guidelines, 2015. Collection method: clinical testing. Allele origin: germline.
Comment: The PIDD1 c.744C>G (p.His248Gln) variant, to our knowledge, has not been reported in the medical literature. This variant is only observed on 1 out of 192,876 alleles in the general population (gnomAD v.2.1.1), indicating it is not a common variant. Computational predictors suggest that the variant does not impact PIDD1 function. Due to limited information, and based on ACMG/AMP guidelines for variant interpretation (Richards S et al., PMID: 25741868), the clinical significance of this variant is uncertain at this time.

NM_145886.4(PIDD1):c.744C>G (p.His248Gln)

Gene: PIDD1 (p53-induced death domain protein 1; minus strand). Cytogenetic location: 11p15.5.
Variant type: single nucleotide variant.
Coding change: c.744C>G on transcript NM_145886.4 (MANE Select); coding-DNA position 744, C replaced by G.
Protein change: p.His248Gln; replaces histidine 248 with glutamine.
Molecular consequence: missense variant.
Genome position (GRCh38, 1-based): chr11:802,857, G>C on the plus strand (C>G on the coding strand, the complement: PIDD1 is on the minus strand). VCF-style: chr11-802857-G-C. GRCh37 (hg19) VCF-style: chr11-802857-G-C.
Other names: c.744C>G, p.His248Gln (NM_145887.4); short protein forms H248Q.
Identifiers: ClinVar variation 3236566 (VCV003236566.1), dbSNP rs1194551878, ClinGen allele CA378957113.